The following is an entry in ClinVar:

NM_020433.5(JPH2):c.769G>A (p.Ala257Thr)

Gene: JPH2 (junctophilin 2; minus strand). Cytogenetic location: 20q13.12.
Variant type: single nucleotide variant.
Coding change: c.769G>A on transcript NM_020433.5 (MANE Select); coding-DNA position 769, G replaced by A.
Protein change: p.Ala257Thr; replaces alanine 257 with threonine.
Molecular consequence: missense variant.
Genome position (GRCh38, 1-based): chr20:44,160,018, C>T on the plus strand (G>A on the coding strand, the complement: JPH2 is on the minus strand). VCF-style: chr20-44160018-C-T. GRCh37 (hg19) VCF-style: chr20-42788658-C-T.
Other names: short protein forms A257T.
Identifiers: ClinVar variation 1037028 (VCV001037028.8), dbSNP rs866617430, ClinGen allele CA409093710.

ClinVar aggregate classification (germline): Uncertain significance (1 of 4 stars; one submission).

Conditions:
Hypertrophic cardiomyopathy. Also called: HYPERTROPHIC MYOCARDIOPATHY. Identifiers: Orphanet 217569, MedGen C0007194, MeSH D002312, MONDO:0005045, HP:0001639.

Allele frequency attached by ClinVar (database versions not stated): gnomAD 0.00001.

Submission:

Labcorp Genetics (formerly Invitae), Labcorp
Classification: Uncertain significance for Hypertrophic cardiomyopathy. Last evaluated: 2020-06-29. Review status: criteria provided, single submitter. Criteria: Invitae Variant Classification Sherloc (09022015). Collection method: clinical testing. Allele origin: germline.
Comment: This sequence change replaces alanine with threonine at codon 257 of the JPH2 protein (p.Ala257Thr). The alanine residue is moderately conserved and there is a small physicochemical difference between alanine and threonine. This variant is not present in population databases (ExAC no frequency). This variant has not been reported in the literature in individuals with JPH2-related conditions. Algorithms developed to predict the effect of missense changes on protein structure and function are either unavailable or do not agree on the potential impact of this missense change (SIFT: "Tolerated"; PolyPhen-2: "Probably Damaging"; Align-GVGD: "Class C0"). In summary, the available evidence is currently insufficient to determine the role of this variant in disease. Therefore, it has been classified as a Variant of Uncertain Significance.